The following is an entry in ClinVar:

ClinVar aggregate classification (germline): Uncertain significance (1 of 4 stars; one submission).

Conditions:
Inborn genetic diseases. Identifiers: MedGen C0950123, MeSH D030342.

Submission:

Ambry Genetics
Classification: Uncertain significance for Inborn genetic diseases. Last evaluated: 2025-10-18. Review status: criteria provided, single submitter. Criteria: Ambry Variant Classification Scheme 2023. Collection method: clinical testing. Allele origin: germline.
Comment: The c.8414G>T (p.C2805F) alteration is located in exon 18 (coding exon 18) of the ASPM gene. This alteration results from a G to T substitution at nucleotide position 8414, causing the cysteine (C) at amino acid position 2805 to be replaced by a phenylalanine (F). Based on data from gnomAD, the T allele has an overall frequency of <0.001% (1/250086) total alleles studied. The highest observed frequency was <0.001% (/) of alleles. Based on insufficient or conflicting evidence, the clinical significance of this alteration remains unclear.

NM_018136.5(ASPM):c.8414G>T (p.Cys2805Phe)

Gene: ASPM (assembly factor for spindle microtubules; minus strand). Cytogenetic location: 1q31.3.
Variant type: single nucleotide variant.
Coding change: c.8414G>T on transcript NM_018136.5 (MANE Select); coding-DNA position 8414, G replaced by T.
Protein change: p.Cys2805Phe; replaces cysteine 2805 with phenylalanine.
Molecular consequence: missense variant. On other transcripts: intron variant (1).
Genome position (GRCh38, 1-based): chr1:197,100,837, C>A on the plus strand (G>T on the coding strand, the complement: ASPM is on the minus strand). VCF-style: chr1-197100837-C-A. GRCh37 (hg19) VCF-style: chr1-197069967-C-A.
Other names: c.4066-4673G>T (NM_001206846.2); short protein forms C2805F.
Identifiers: ClinVar variation 4586383 (VCV004586383.1).